The following is an entry in ClinVar:

ClinVar aggregate classification (germline): Uncertain significance (1 of 4 stars; one submission).

Allele frequency attached by ClinVar (database versions not stated): gnomAD exomes below 0.00001; gnomAD 0.00001; TOPMed 0.00001.
gnomAD v4.1: 3 of 1,613,832 alleles (0.00019%); highest among the groups gnomAD compares: Non-Finnish European, 0.00017%; no homozygotes.

Submission:

GeneDx
Classification: Uncertain significance. Last evaluated: 2025-02-20. Review status: criteria provided, single submitter. Criteria: GeneDx Variant Classification Process June 2021. Collection method: clinical testing. Allele origin: germline. Affected: yes.
Comment: Has not been previously published as pathogenic or benign to our knowledge; Not observed at significant frequency in large population cohorts (gnomAD); In silico analysis supports that this missense variant has a deleterious effect on protein structure/function; Although located in a calcium-binding EGF-like domain of the FBN2 gene, it does not substitute or introduce a cysteine residue (PMID: 19006240, 18767143); This variant is associated with the following publications: (PMID: 19006240, 18767143)

NM_001999.4(FBN2):c.5570G>A (p.Gly1857Asp)

Gene: FBN2 (fibrillin 2; minus strand). Cytogenetic location: 5q23.3.
Variant type: single nucleotide variant.
Coding change: c.5570G>A on transcript NM_001999.4 (MANE Select); coding-DNA position 5570, G replaced by A.
Protein change: p.Gly1857Asp; replaces glycine 1857 with aspartic acid.
Molecular consequence: missense variant.
Genome position (GRCh38, 1-based): chr5:128,305,615, C>T on the plus strand (G>A on the coding strand, the complement: FBN2 is on the minus strand). VCF-style: chr5-128305615-C-T. GRCh37 (hg19) VCF-style: chr5-127641307-C-T.
Other names: short protein forms G1857D.
Identifiers: ClinVar variation 1695485 (VCV001695485.3), dbSNP rs1450254210, ClinGen allele CA360740610.